The following is an entry in ClinVar:

ClinVar aggregate classification (germline): Benign (1 of 4 stars; one submission).

Conditions:
Fanconi anemia complementation group A (FANCA). Also called: Fanconi anemia, group A; FANCA-Related Fanconi Anemia. Identifiers: Orphanet 84, MedGen C3469521, MONDO:0009215, OMIM 227650.

Allele frequency attached by ClinVar (database versions not stated): gnomAD 0.00019 and 0.00210; TOPMed 0.00044; 1000 Genomes Project 0.01418; 1000 Genomes Project 30x 0.01437.

Submission:

Illumina Laboratory Services, Illumina
Classification: Benign for Fanconi anemia complementation group A. Last evaluated: 2018-01-12. Review status: criteria provided, single submitter. Criteria: ICSL Variant Classification Criteria 13 December 2019. Collection method: clinical testing. Allele origin: germline.
Comment: This variant was observed in the ICSL laboratory as part of a predisposition screen in an ostensibly healthy population. It had not been previously curated by ICSL or reported in the Human Gene Mutation Database (HGMD: prior to June 1st, 2018), and was therefore a candidate for classification through an automated scoring system. Utilizing variant allele frequency, disease prevalence and penetrance estimates, and inheritance mode, an automated score was calculated to assess if this variant is too frequent to cause the disease. Based on the score and internal cut-off values, a variant classified as benign is not then subjected to further curation. The score for this variant resulted in a classification of benign for this disease.

NM_000135.4(FANCA):c.*286C>T

Genes: ZNF276 (zinc finger protein 276; plus strand), FANCA (FA complementation group A; minus strand). Cytogenetic location: 16q24.3.
Variant type: single nucleotide variant.
Coding change: c.*286C>T on transcript NM_000135.4 (MANE Select); 286 bases downstream of the stop codon, C replaced by T.
Molecular consequence: 3 prime UTR variant. On other transcripts: non-coding transcript variant (4).
Genome position (GRCh38, 1-based): chr16:89,738,315, G>A on the plus strand (C>T on the coding strand, the complement: FANCA is on the minus strand). VCF-style: chr16-89738315-G-A. GRCh37 (hg19) VCF-style: chr16-89804723-G-A.
Other names: c.*383C>T (NM_001286167.3); c.*69G>A (NM_001113525.2, NM_152287.4).
Identifiers: ClinVar variation 321320 (VCV000321320.5), dbSNP rs17233804, ClinGen allele CA10649305.